The following is an entry in ClinVar:

ClinVar aggregate classification (germline): Uncertain significance. Review status: criteria provided, multiple submitters, no conflicts (2 of 4 stars). 2 submissions from 2 submitters: Uncertain significance (2). Last evaluated 2022-04-19.

Conditions:
Oculocerebrodental syndrome (OCSKD). Also called: OCULOSKELETODENTAL SYNDROME; CATARACTS, EARLY-ONSET, WITH SKELETAL AND DENTAL ANOMALIES. Identifiers: Orphanet 557003, MedGen C5193101, MONDO:0034145, OMIM 618440.

Allele frequency attached by ClinVar (database versions not stated): gnomAD exomes below 0.00001.
gnomAD v4.1: 2 of 1,613,786 alleles (0.00012%); highest among the groups gnomAD compares: East Asian, 0.0022%; no homozygotes.

Submissions (2):

Labcorp Genetics (formerly Invitae), Labcorp
Classification: Uncertain significance. Last evaluated: 2022-04-19. Review status: criteria provided, single submitter. Criteria: Invitae Variant Classification Sherloc (09022015). Collection method: clinical testing. Allele origin: germline.
Comment: This sequence change replaces tyrosine, which is neutral and polar, with cysteine, which is neutral and slightly polar, at codon 1678 of the PIK3C2A protein (p.Tyr1678Cys). This variant is present in population databases (no rsID available, gnomAD 0.006%). This variant has not been reported in the literature in individuals affected with PIK3C2A-related conditions. Algorithms developed to predict the effect of missense changes on protein structure and function are either unavailable or do not agree on the potential impact of this missense change (SIFT: "Not Available"; PolyPhen-2: "Probably Damaging"; Align-GVGD: "Not Available"). In summary, the available evidence is currently insufficient to determine the role of this variant in disease. Therefore, it has been classified as a Variant of Uncertain Significance.

Department of Pathology and Laboratory Medicine, Sinai Health System
Classification: Uncertain significance for Oculocerebrodental syndrome. Last evaluated: 2020-06-14. Review status: criteria provided, single submitter. Criteria: ACMG Guidelines, 2015. Collection method: research. Allele origin: germline.

NM_002645.4(PIK3C2A):c.5033A>G (p.Tyr1678Cys)

Gene: PIK3C2A (phosphatidylinositol-4-phosphate 3-kinase catalytic subunit type 2 alpha; minus strand). Cytogenetic location: 11p15.1.
Variant type: single nucleotide variant.
Coding change: c.5033A>G on transcript NM_002645.4 (MANE Select); coding-DNA position 5033, A replaced by G.
Protein change: p.Tyr1678Cys; replaces tyrosine 1678 with cysteine.
Molecular consequence: missense variant.
Genome position (GRCh38, 1-based): chr11:17,089,766, T>C on the plus strand (A>G on the coding strand, the complement: PIK3C2A is on the minus strand). VCF-style: chr11-17089766-T-C. GRCh37 (hg19) VCF-style: chr11-17111313-T-C.
Other names: c.5033A>G, p.Tyr1678Cys (NM_001321378.2); c.3893A>G, p.Tyr1298Cys (NM_001321380.2); c.4865A>G, p.Tyr1622Cys (NM_001386870.1); short protein forms Y1298C, Y1622C, Y1678C.
Identifiers: ClinVar variation 1911263 (VCV001911263.3), dbSNP rs1265041141, ClinGen allele CA379755088.